The following is an entry in ClinVar:

ClinVar aggregate classification (germline): Uncertain significance (1 of 4 stars; one submission).

Conditions:
Primary ciliary dyskinesia. Also called: Ciliary dyskinesia. Identifiers: Orphanet 244, MedGen C0008780, MONDO:0016575, HP:0012265.

Allele frequency attached by ClinVar (database versions not stated): gnomAD exomes below 0.00001; ExAC 0.00001; TOPMed 0.00001.
gnomAD v4.1: 2 of 1,614,146 alleles (0.00012%); highest among the groups gnomAD compares: Non-Finnish European, 0.000085%; no homozygotes.

Submission:

Labcorp Genetics (formerly Invitae), Labcorp
Classification: Uncertain significance for Primary ciliary dyskinesia. Last evaluated: 2022-06-07. Review status: criteria provided, single submitter. Criteria: Invitae Variant Classification Sherloc (09022015). Collection method: clinical testing. Allele origin: germline.
Comment: This sequence change replaces threonine, which is neutral and polar, with serine, which is neutral and polar, at codon 201 of the DNAI1 protein (p.Thr201Ser). This variant is present in population databases (rs764611383, gnomAD 0.003%). This variant has not been reported in the literature in individuals affected with DNAI1-related conditions. Algorithms developed to predict the effect of missense changes on protein structure and function are either unavailable or do not agree on the potential impact of this missense change (SIFT: "Tolerated"; PolyPhen-2: "Possibly Damaging"; Align-GVGD: "Class C0"). In summary, the available evidence is currently insufficient to determine the role of this variant in disease. Therefore, it has been classified as a Variant of Uncertain Significance.

NM_012144.4(DNAI1):c.601A>T (p.Thr201Ser)

Gene: DNAI1 (dynein axonemal intermediate chain 1; plus strand). Cytogenetic location: 9p13.3.
Variant type: single nucleotide variant.
Coding change: c.601A>T on transcript NM_012144.4 (MANE Select); coding-DNA position 601, A replaced by T.
Protein change: p.Thr201Ser; replaces threonine 201 with serine.
Molecular consequence: missense variant.
Genome position (GRCh38, 1-based): chr9:34,490,468, A>T. VCF-style: chr9-34490468-A-T. GRCh37 (hg19) VCF-style: chr9-34490466-A-T.
Other names: c.613A>T, p.Thr205Ser (NM_001281428.2); short protein forms T201S, T205S.
Identifiers: ClinVar variation 2170310 (VCV002170310.1), dbSNP rs764611383, ClinGen allele CA5034107.
Genomic context (GRCh38, chr9:34,490,468, plus strand): 5'-AAGCAGCCCAAGGAGAGAAAGCTCACTAACCAGTTCAACTTCAGTGAGAGGGCCTCACAG[A>T]CCTACAACAACCCTGTCCGGGTAGAGCAGCCCCCACCCTAGCCCCTTTGCAGCTCTTCAC-3'
Protein context (NP_036276.1, residues 191-211): QFNFSERASQ[Thr201Ser]YNNPVRDREC